The following is an entry in ClinVar:

NM_000368.5(TSC1):c.2225T>G (p.Leu742Ter)

Gene: TSC1 (TSC complex subunit 1; minus strand). Cytogenetic location: 9q34.13.
Variant type: single nucleotide variant.
Coding change: c.2225T>G on transcript NM_000368.5 (MANE Select); coding-DNA position 2225, T replaced by G.
Protein change: p.Leu742Ter; replaces leucine 742 with a stop codon.
Molecular consequence: nonsense. On other transcripts: non-coding transcript variant (5).
Genome position (GRCh38, 1-based): chr9:132,902,771, A>C on the plus strand (T>G on the coding strand, the complement: TSC1 is on the minus strand). VCF-style: chr9-132902771-A-C. GRCh37 (hg19) VCF-style: chr9-135778158-A-C.
Other names: c.2225T>G, p.Leu742Ter (NM_001406594.1, NM_001406595.1, NM_001406596.1 and 5 more transcripts); c.2222T>G, p.Leu741Ter (NM_001406597.1, NM_001406598.1, NM_001406599.1 and 4 more transcripts); c.2210T>G, p.Leu737Ter (NM_001406601.1, NM_001406602.1); c.2069T>G, p.Leu690Ter (NM_001406613.1, NM_001406611.1, NM_001406612.1); c.1862T>G, p.Leu621Ter (NM_001406614.1, NM_001406615.1, NM_001406616.1 and 5 more transcripts); c.1859T>G, p.Leu620Ter (NM_001406620.1, NM_001406621.1, NM_001406622.1 and 2 more transcripts); c.1274T>G, p.Leu425Ter (NM_001406626.1); c.1271T>G, p.Leu424Ter (NM_001406627.1, NM_001406628.1); and 3 more; short protein forms L391*, L425*, L736*, L424*, L620*, L691*, L742*, L621*.
Identifiers: ClinVar variation 4723426 (VCV004723426.1).
Genomic context (GRCh38, chr9:132,902,771, plus strand): 5'-TTGTATCTAGCTTGTTCTTTCTGCAGACTAACCTTCCACATCTGGATGTCCTTCTCTTGT[A>C]ACTTCAACTGATCTTTCTAGCAGAGACCAGAAATGTCATCATTTTAGCTGTCTTCCAACA-3'

ClinVar aggregate classification (germline): Pathogenic (1 of 4 stars; one submission).

Conditions:
Tuberous sclerosis 1 (TSC1). Identifiers: Orphanet 805, MedGen C1854465, MONDO:0008612, OMIM 191100.

Submission:

Labcorp Genetics (formerly Invitae), Labcorp
Classification: Pathogenic for Tuberous sclerosis 1. Last evaluated: 2025-08-06. Review status: criteria provided, single submitter. Criteria: Invitae Variant Classification Sherloc (09022015). Collection method: clinical testing. Allele origin: germline.
Comment: This sequence change creates a premature translational stop signal (p.Leu742*) in the TSC1 gene. It is expected to result in an absent or disrupted protein product. Loss-of-function variants in TSC1 are known to be pathogenic (PMID: 10227394, 17304050). This variant is not present in population databases (gnomAD no frequency). This variant has not been reported in the literature in individuals affected with TSC1-related conditions. For these reasons, this variant has been classified as Pathogenic.

Literature cited by the submitters: PubMed 10227394; PubMed 17304050.